The following is an entry in ClinVar:

ClinVar aggregate classification (germline): Uncertain significance (1 of 4 stars; one submission).

Conditions:
Inborn genetic diseases. Identifiers: MedGen C0950123, MeSH D030342.

Submission:

Ambry Genetics
Classification: Uncertain significance for Inborn genetic diseases. Last evaluated: 2025-10-08. Review status: criteria provided, single submitter. Criteria: Ambry Variant Classification Scheme 2023. Collection method: clinical testing. Allele origin: germline.
Comment: The p.M397V variant (also known as c.1189A>G), located in coding exon 9 of the BUB1B gene, results from an A to G substitution at nucleotide position 1189. The methionine at codon 397 is replaced by valine, an amino acid with highly similar properties. This amino acid position is conserved. In addition, the in silico prediction for this alteration is inconclusive. Based on the available evidence, the clinical significance of this variant remains unclear.

NM_001211.6(BUB1B):c.1189A>G (p.Met397Val)

Gene: BUB1B (BUB1 mitotic checkpoint serine/threonine kinase B; plus strand). Cytogenetic location: 15q15.1.
Variant type: single nucleotide variant.
Coding change: c.1189A>G on transcript NM_001211.6 (MANE Select); coding-DNA position 1189, A replaced by G.
Protein change: p.Met397Val; replaces methionine 397 with valine.
Molecular consequence: missense variant.
Genome position (GRCh38, 1-based): chr15:40,196,675, A>G. VCF-style: chr15-40196675-A-G. GRCh37 (hg19) VCF-style: chr15-40488876-A-G.
Other names: short protein forms M397V.
Identifiers: ClinVar variation 4600324 (VCV004600324.1).